The following is an entry in ClinVar:

NM_020549.5(CHAT):c.1840-172T>C

Gene: CHAT (choline O-acetyltransferase; plus strand). Cytogenetic location: 10q11.23.
Variant type: single nucleotide variant.
Coding change: c.1840-172T>C on transcript NM_020549.5 (MANE Select); 172 bases into the intron before coding-DNA position 1840, T replaced by C.
Molecular consequence: intron variant.
Genome position (GRCh38, 1-based): chr10:49,662,473, T>C. VCF-style: chr10-49662473-T-C. GRCh37 (hg19) VCF-style: chr10-50870519-T-C.
Other names: c.1486-172T>C (NM_020984.4, NM_020985.4, NM_020986.4 and 2 more transcripts); c.1594-172T>C (NM_001142933.2).
Identifiers: ClinVar variation 678356 (VCV000678356.2), dbSNP rs10857527, ClinGen allele CA13154250.

ClinVar aggregate classification (germline): Benign. Review status: criteria provided, multiple submitters, no conflicts (2 of 4 stars). 2 submissions from 2 submitters: Benign (2). Last evaluated 2018-06-19.

Allele frequency attached by ClinVar (database versions not stated): gnomAD 0.39369 and 0.40387; TOPMed 0.39781; 1000 Genomes Project 30x 0.45987; 1000 Genomes Project 0.46905.
gnomAD v4.1: 61,398 of 152,182 alleles (40%); highest among the groups gnomAD compares: East Asian, 69%; 12,952 homozygotes.

Submissions (2):

GeneDx
Classification: Benign. Last evaluated: 2018-06-19. Review status: criteria provided, single submitter. Criteria: GeneDx Variant Classification (06012015). Collection method: clinical testing. Allele origin: germline. Affected: yes.
Comment: This variant is considered likely benign or benign based on one or more of the following criteria: it is a conservative change, it occurs at a poorly conserved position in the protein, it is predicted to be benign by multiple in silico algorithms, and/or has population frequency not consistent with disease.

Breakthrough Genomics
Classification: Benign. Review status: criteria provided, single submitter. Criteria: ACMG Guidelines, 2015. Collection method: not provided. Allele origin: germline. Inheritance: Autosomal recessive inheritance. Affected: yes.